The following is an entry in ClinVar:

NM_005245.4(FAT1):c.4309A>G (p.Thr1437Ala)

Gene: FAT1 (FAT atypical cadherin 1; minus strand). Cytogenetic location: 4q35.2.
Variant type: single nucleotide variant.
Coding change: c.4309A>G on transcript NM_005245.4 (MANE Select); coding-DNA position 4309, A replaced by G.
Protein change: p.Thr1437Ala; replaces threonine 1437 with alanine.
Molecular consequence: missense variant.
Genome position (GRCh38, 1-based): chr4:186,633,698, T>C on the plus strand (A>G on the coding strand, the complement: FAT1 is on the minus strand). VCF-style: chr4-186633698-T-C. GRCh37 (hg19) VCF-style: chr4-187554852-T-C.
Other names: short protein forms T1437A.
Identifiers: ClinVar variation 1049185 (VCV001049185.1), dbSNP rs1248088211, ClinGen allele CA358982414.

ClinVar aggregate classification (germline): Uncertain significance (0 of 4 stars; one submission).

Allele frequency attached by ClinVar (database versions not stated): gnomAD 0.00001; gnomAD exomes 0.00001 and below 0.00001; TOPMed below 0.00001.
gnomAD v4.1: 5 of 1,613,818 alleles (0.00031%); highest among the groups gnomAD compares: Admixed American, 0.0067%; no homozygotes.

Submission:

Department of Pathology and Laboratory Medicine, Sinai Health System
Classification: Uncertain significance. Review status: no assertion criteria provided. Collection method: clinical testing. Allele origin: unknown. Affected: yes. Study: The Canadian Open Genetics Repository (COGR).
Comment: The FAT1 p.Thr1437Ala variant was not identified in the literature nor was it identified in ClinVar, Cosmic or LOVD 3.0. The variant was identified in dbSNP (ID: rs1248088211) and was found in control databases in 1 of 249234 chromosomes at a frequency of 0.000004 (Genome Aggregation Database Feb 27, 2017). The variant was observed in the Latino population in 1 of 34528 chromosomes (freq: 0.000029), while the variant was not observed in the African, Ashkenazi Jewish, East Asian, European (Finnish), European (non-Finnish), Other or South Asian populations. The variant occurs outside of the splicing consensus sequence and in silico or computational prediction software programs (SpliceSiteFinder, MaxEntScan, NNSPLICE, GeneSplicer) do not predict a difference in splicing. The p.Thr1437 residue is conserved in mammals but not in more distantly related organisms however four out of five computational analyses (PolyPhen-2, AlignGVGD, BLOSUM, MutationTaster) do not suggest a high likelihood of impact to the protein; this information is not predictive enough to rule out pathogenicity. In summary, based on the above information the clinical significance of this variant cannot be determined with certainty at this time. This variant is classified as a variant of uncertain significance.